The following is an entry in ClinVar:

ClinVar aggregate classification (germline): Pathogenic. Review status: reviewed by expert panel (3 of 4 stars). 8 submissions from 8 submitters: Pathogenic (1). 7 of the submissions do not count toward it. Last evaluated 2016-09-08.

Conditions:
BRCA1-related cancer predisposition. Identifiers: MedGen CN377757, MONDO:0700268.
Hereditary breast ovarian cancer syndrome. Also called: Breast and ovarian cancer; BRCA1- and BRCA2-Associated Hereditary Breast and Ovarian Cancer; Hereditary breast and ovarian cancer; Hereditary breast and ovarian cancer syndrome; Hereditary breast and ovarian cancer syndrome (HBOC); Hereditary breast and/or ovarian cancer syndrome. Identifiers: Orphanet 145, MedGen C0677776, MeSH D061325, MONDO:0003582. Disease mechanism: loss of function.
Hereditary cancer-predisposing syndrome. Also called: Tumor predisposition; Hereditary Cancer Syndrome; Neoplastic Syndromes, Hereditary; Hereditary neoplastic syndrome. Identifiers: Orphanet 140162, MedGen C0027672, MeSH D009386, MONDO:0015356.
Breast-ovarian cancer, familial, susceptibility to, 1 (BROVCA1). Also called: BRCA1 Hereditary Breast and Ovarian Cancer; OVARIAN CANCER, SUSCEPTIBILITY TO. Identifiers: Orphanet 145, MedGen C2676676, MONDO:0011450, OMIM 604370. Disease mechanism: loss of function.

Submissions (9):

Evidence-based Network for the Interpretation of Germline Mutant Alleles (ENIGMA)
Classification: Pathogenic for Breast-ovarian cancer, familial, susceptibility to, 1. Last evaluated: 2016-09-08. Review status: reviewed by expert panel. Criteria: ENIGMA BRCA1/2 Classification Criteria (2015). Collection method: curation. Allele origin: germline.
Comment: Variant allele predicted to encode a truncated non-functional protein.

Hema, HEMA – Genetic and Molecular Diagnostic Laboratory
Classification: Pathogenic for BRCA1-related cancer predisposition. Last evaluated: 2026-09-14. Review status: criteria provided, single submitter. Criteria: HEMA Variant Classification Assertion Criteria. Collection method: clinical testing. Allele origin: germline. Not counted in ClinVar's aggregate classification.
Comment: It is a transition/transversion from cytosine to adenine that results in a premature stop codon at codon 84 of BRCA1. PVS1: Null variant (nonsense) in a gene for which loss of function is a known disease mechanism. It is a nonsense variant that introduces a premature stop codon in exon 5/23, which is predicted to lead to nonsense-mediated decay (NMD) of the transcript. PM2_Supporting: Absent in the gnomAD database. PM5_Strong (PTC): Variant that introduces a stop codon in exon 5 of BRCA1.

Labcorp Genetics (formerly Invitae), Labcorp
Classification: Pathogenic for Hereditary breast ovarian cancer syndrome. Last evaluated: 2025-07-31. Review status: criteria provided, single submitter. Criteria: Invitae Variant Classification Sherloc (09022015). Collection method: clinical testing. Allele origin: germline. Not counted in ClinVar's aggregate classification.
Comment: This sequence change creates a premature translational stop signal (p.Glu84*) in the BRCA1 gene. It is expected to result in an absent or disrupted protein product. Loss-of-function variants in BRCA1 are known to be pathogenic (PMID: 20104584). This variant is not present in population databases (gnomAD no frequency). This premature translational stop signal has been observed in individual(s) with BRCA1-related cancers (PMID: 23192404, 30103829). ClinVar contains an entry for this variant (Variation ID: 91591). Algorithms developed to predict the effect of sequence changes on RNA splicing suggest that this variant may disrupt the consensus splice site. For these reasons, this variant has been classified as Pathogenic.

Ambry Genetics
Classification: Pathogenic for Hereditary cancer-predisposing syndrome. Last evaluated: 2025-07-22. Review status: criteria provided, single submitter. Criteria: Ambry Variant Classification Scheme 2023. Collection method: clinical testing. Allele origin: germline. Not counted in ClinVar's aggregate classification.
Comment: The p.E84* pathogenic mutation (also known as c.250G>T), located in coding exon 4 of the BRCA1 gene, results from a G to T substitution at nucleotide position 250. This changes the amino acid from a glutamic acid to a stop codon within coding exon 4. This alteration was also identified in a large, worldwide study of BRCA1/2 mutation positive families (Rebbeck TR et al. Hum Mutat, 2018 05;39:593-620). One functional study found that this nucleotide substitution is non-functional in a high-throughput, genome editing, haploid cell survival assay (Findlay GM et al. Nature, 2018 10;562:217-222). In addition to the clinical data presented in the literature, this alteration is expected to result in loss of function by premature protein truncation or nonsense-mediated mRNA decay. As such, this alteration is interpreted as a disease-causing mutation.

Color Diagnostics, LLC DBA Color Health
Classification: Pathogenic for Hereditary cancer-predisposing syndrome. Last evaluated: 2023-02-07. Review status: criteria provided, single submitter. Criteria: ACMG Guidelines, 2015. Collection method: clinical testing. Allele origin: germline. Not counted in ClinVar's aggregate classification.
Comment: This variant changes 1 nucleotide in exon 5 of the BRCA1 gene, creating a premature translation stop signal. This variant is expected to result in an absent or non-functional protein product. A functional study has reported that this variant impacts BRCA1 function in a haploid human cell proliferation assay (PMID: 30209399). This variant has been observed in three individuals affected with breast or ovarian cancer (PMID: 23192404, 30103829; Color internal data). This variant has not been identified in the general population by the Genome Aggregation Database (gnomAD). Loss of BRCA1 function is a known mechanism of disease. Based on the available evidence, this variant is classified as Pathogenic.

Consortium of Investigators of Modifiers of BRCA1/2 (CIMBA), c/o University of Cambridge
Classification: Pathogenic for Breast-ovarian cancer, familial, susceptibility to, 1. Last evaluated: 2015-10-02. Review status: criteria provided, single submitter. Criteria: CIMBA Mutation Classification guidelines May 2016. Collection method: clinical testing. Allele origin: germline. Not counted in ClinVar's aggregate classification.

Counsyl
Classification: Pathogenic for Breast-ovarian cancer, familial 1. Last evaluated: 2015-02-06. Review status: no assertion criteria provided. Collection method: literature only. Allele origin: unknown. Inheritance: Autosomal dominant inheritance. Not counted in ClinVar's aggregate classification.

Sharing Clinical Reports Project (SCRP)
Classification: Pathogenic for Breast-ovarian cancer, familial 1. Last evaluated: 2008-07-23. Review status: no assertion criteria provided. Collection method: clinical testing. Allele origin: germline. Not counted in ClinVar's aggregate classification.

Brotman Baty Institute, University of Washington
No classification provided (evidence only). Condition: Breast-ovarian cancer, familial 1. Review status: no classification provided. Collection method: in vitro. Allele origin: not applicable. Functional consequence: functionally_abnormal. Not counted in ClinVar's aggregate classification.
ClinVar note: "not provided" was previously submitted as the classification for the variant. However, the classification appeared to be based only on an observation of functional data so it was converted to no classification on 2025-07-30.

Literature cited by the submitters: PubMed 20104584 (cited by Labcorp Genetics (formerly Invitae), Labcorp); PubMed 23192404 (cited by 4 submitters); PubMed 30103829 (cited by 3 submitters); PubMed 29446198 (cited by Ambry Genetics); PubMed 30209399 (cited by Ambry Genetics and Color Diagnostics, LLC DBA Color Health); PubMed 22430266 (cited by Counsyl).

NM_007294.4(BRCA1):c.250G>T (p.Glu84Ter)

Gene: BRCA1 (BRCA1 DNA repair associated; minus strand). Cytogenetic location: 17q21.31.
Variant type: single nucleotide variant.
Coding change: c.250G>T on transcript NM_007294.4 (MANE Select); coding-DNA position 250, G replaced by T.
Protein change: p.Glu84Ter; replaces glutamic acid 84 with a stop codon.
Molecular consequence: nonsense. On other transcripts: non-coding transcript variant (1).
Genome position (GRCh38, 1-based): chr17:43,104,919, C>A on the plus strand (G>T on the coding strand, the complement: BRCA1 is on the minus strand). VCF-style: chr17-43104919-C-A. GRCh37 (hg19) VCF-style: chr17-41256936-C-A.
Other names: 369G>T; c.40G>T, p.Glu14Ter (NM_001407571.1, NM_001407853.1, NM_001407879.1 and 58 more transcripts); c.250G>T, p.Glu84Ter (NM_001407581.1, NM_001407582.1, NM_001407583.1 and 168 more transcripts); c.172G>T, p.Glu58Ter (NM_001407653.1, NM_001407654.1, NM_001407655.1 and 21 more transcripts); c.109G>T, p.Glu37Ter (NM_001407692.1, NM_001407694.1, NM_001407695.1 and 99 more transcripts); c.-132G>T (NM_001407959.1, NM_001407960.1, NM_001407962.1 and 4 more transcripts); c.118G>T, p.Glu40Ter (NM_001408451.1); short protein forms E84*, E37*, E40*, E58*, E14*.
Identifiers: ClinVar variation 91591 (VCV000091591.24), dbSNP rs398122661, ClinGen allele CA001662.